The following is an entry in ClinVar:

ClinVar aggregate classification (germline): Pathogenic. Review status: criteria provided, multiple submitters, no conflicts (2 of 4 stars). 5 submissions from 5 submitters: Pathogenic (4). 1 of the submissions does not count toward it. Last evaluated 2026-10-01.

Conditions:
Fanconi anemia (FA). Also called: Fanconi's anemia. Identifiers: Orphanet 84, MedGen C0015625, MeSH D005199, MONDO:0019391.
Fanconi anemia complementation group G. Also called: FANCG-Related Fanconi Anemia; Fanconi anemia group G. Identifiers: Orphanet 84, MedGen C3469527, MONDO:0013565, OMIM 614082.

Submissions (5):

St. Jude Molecular Pathology, St. Jude Children's Research Hospital
Classification: Pathogenic for Fanconi anemia complementation group G. Last evaluated: 2026-10-01. Review status: criteria provided, single submitter. Criteria: St. Jude Assertion Criteria 2020. Collection method: clinical testing. Allele origin: germline.
Comment: The FANCG c.156dup p.(Leu53AlafsTer4) change duplicates one nucleotide to cause a frameshift and the creation of a pr emature stop codon. This change is predicted to cause protein truncation or absence of protein due to nonsense-mediated decay. This variant has been reported in at least one individual with Fanconi anemia (PMID: 12552564). This variant has a maximum subp opulation frequency of 0.002% in gnomAD v2.1.1. In summary, this variant meets criteria to be classified as pathogenic.Ã¢ € ¯

Labcorp Genetics (formerly Invitae), Labcorp
Classification: Pathogenic for Fanconi anemia. Last evaluated: 2025-07-14. Review status: criteria provided, single submitter. Criteria: Invitae Variant Classification Sherloc (09022015). Collection method: clinical testing. Allele origin: germline.
Comment: This sequence change creates a premature translational stop signal (p.Leu53Alafs*4) in the FANCG gene. It is expected to result in an absent or disrupted protein product. Loss-of-function variants in FANCG are known to be pathogenic (PMID: 12552564). This variant is present in population databases (no rsID available, gnomAD 0.002%). This premature translational stop signal has been observed in individuals with Fanconi anemia (PMID: 12552564). ClinVar contains an entry for this variant (Variation ID: 216091). For these reasons, this variant has been classified as Pathogenic.

Natera, Inc.
Classification: Pathogenic for Fanconi anemia group G. Last evaluated: 2024-11-21. Review status: criteria provided, single submitter. Criteria: Natera Variant Classification Schema (03/2026). Collection method: clinical testing. Allele origin: germline.
Comment: The c.156dupG variant in FANCG is a frameshift variant predicted to shift the reading frame beginning at codon 53 and leads to a stop codon 4 codons downstream. This variant is expected to result in nonsense mediated decay, truncation, or a dysfunctional protein product. This variant is rare in the general population with a frequency below the threshold expected for the associated phenotype(s). This variant has been observed in one or more individuals affected with the associated recessive disease, as either homozygous or compound heterozygous with a second variant (PMID: 12552564). Given the available evidence, this variant is classified as Pathogenic.

Baylor Genetics
Classification: Pathogenic for Fanconi anemia complementation group G. Last evaluated: 2023-11-14. Review status: criteria provided, single submitter. Criteria: ACMG Guidelines, 2015. Collection method: clinical testing. Allele origin: unknown.

Leiden Open Variation Database
Classification: Pathogenic for Fanconi anemia complementation group G. Last evaluated: 2020-02-28. Review status: no assertion criteria provided. Collection method: curation. Allele origin: germline. Affected: yes. Not counted in ClinVar's aggregate classification.
Comment: Curator: Arleen D. Auerbach. Submitter to LOVD: Arleen D. Auerbach.

Literature cited by the submitters: PubMed 12552564 (cited by 3 submitters).

NM_004629.2(FANCG):c.156dup (p.Leu53fs)

Gene: FANCG (FA complementation group G; minus strand). Cytogenetic location: 9p13.3.
Variant type: Duplication.
Coding change: c.156dup on transcript NM_004629.2 (MANE Select); coding-DNA position 156, one base duplicated (G; older notation c.156dupG).
Protein change: p.Leu53fs; shifts the reading frame from leucine 53.
Molecular consequence: frameshift variant.
Genome position (GRCh38, 1-based): chr9:35,079,170, C duplicated on the plus strand (G on the coding strand, the reverse complement: FANCG is on the minus strand); the first of 3 consecutive C bases (chr9:35,079,170-35,079,172); duplicating any one gives the same sequence. VCF-style (leftmost placement, unchanged base first): chr9-35079169-G-GC. GRCh37 (hg19) VCF-style: chr9-35079166-G-GC.
Other names: c.156dupG (NM_004629.1); short protein forms L53fs.
Identifiers: ClinVar variation 216091 (VCV000216091.16), dbSNP rs863224506, ClinGen allele CA338118.